The following is an entry in ClinVar:

NM_020831.6(MRTFA):c.2329G>C (p.Asp777His)

Gene: MRTFA (myocardin related transcription factor A; minus strand). Cytogenetic location: 22q13.1.
Variant type: single nucleotide variant.
Coding change: c.2329G>C on transcript NM_020831.6 (MANE Select); coding-DNA position 2329, G replaced by C.
Protein change: p.Asp777His; replaces aspartic acid 777 with histidine.
Molecular consequence: missense variant.
Genome position (GRCh38, 1-based): chr22:40,418,409, C>G on the plus strand (G>C on the coding strand, the complement: MRTFA is on the minus strand). VCF-style: chr22-40418409-C-G. GRCh37 (hg19) VCF-style: chr22-40814413-C-G.
Other names: c.2029G>C (NM_020831.3); c.2029G>C, p.Asp677His (NM_001282660.2); c.2179G>C, p.Asp727His (NM_001282661.3); c.2329G>C, p.Asp777His (NM_001282662.3); c.2134G>C, p.Asp712His (NM_001318139.2); short protein forms D727H, D712H, D677H, D777H.
Identifiers: ClinVar variation 1928627 (VCV001928627.6), dbSNP rs538086886, ClinGen allele CA411657171.

ClinVar aggregate classification (germline): Uncertain significance. Review status: criteria provided, multiple submitters, no conflicts (2 of 4 stars). 2 submissions from 2 submitters: Uncertain significance (2). Last evaluated 2025-08-03.

gnomAD v4.1: 1 of 1,613,944 alleles (0.000062%); highest among the groups gnomAD compares: Non-Finnish European, 0.000085%; no homozygotes.

Submissions (2):

Ambry Genetics
Classification: Uncertain significance. Last evaluated: 2025-08-03. Review status: criteria provided, single submitter. Criteria: Ambry Variant Classification Scheme 2023. Collection method: clinical testing. Allele origin: germline.

Labcorp Genetics (formerly Invitae), Labcorp
Classification: Uncertain significance. Last evaluated: 2023-09-04. Review status: criteria provided, single submitter. Criteria: Invitae Variant Classification Sherloc (09022015). Collection method: clinical testing. Allele origin: germline.
Comment: This variant is not present in population databases (gnomAD no frequency). This sequence change replaces aspartic acid, which is acidic and polar, with histidine, which is basic and polar, at codon 677 of the MKL1 protein (p.Asp677His). This variant has not been reported in the literature in individuals affected with MKL1-related conditions. ClinVar contains an entry for this variant (Variation ID: 1928627). An algorithm developed to predict the effect of missense changes on protein structure and function (PolyPhen-2) suggests that this variant is likely to be disruptive. In summary, the available evidence is currently insufficient to determine the role of this variant in disease. Therefore, it has been classified as a Variant of Uncertain Significance.